The following is an entry in ClinVar:

ClinVar aggregate classification (germline): Likely pathogenic. Review status: criteria provided, multiple submitters, no conflicts (2 of 4 stars). 2 submissions from 2 submitters: Likely pathogenic (2). Last evaluated 2024-08-08.

Conditions:
POLR3A-related disorder. Also called: POLR3A-related condition; POLR3A-related disorders. Identifiers: MedGen CN378587, MONDO:0700276.

gnomAD v4.1: 4 of 1,613,908 alleles (0.00025%); highest among the groups gnomAD compares: African/African-American, 0.0013%; no homozygotes.

Submissions (2):

GeneDx
Classification: Likely pathogenic. Last evaluated: 2024-08-08. Review status: criteria provided, single submitter. Criteria: GeneDx Variant Classification Process June 2021. Collection method: clinical testing. Allele origin: germline. Affected: yes.
Comment: Nonsense variant predicted to result in protein truncation or nonsense mediated decay in a gene for which loss of function is a known mechanism of disease; Not observed at significant frequency in large population cohorts (gnomAD); Has not been previously published as pathogenic or benign to our knowledge

Blueprint Genetics
Classification: Likely pathogenic for POLR3A-related disorders. Last evaluated: 2018-05-28. Review status: criteria provided, single submitter. Criteria: ACMG Guidelines, 2015. Collection method: clinical testing. Allele origin: germline. Affected: yes. Observed: 1 variant allele.

NM_007055.4(POLR3A):c.1309C>T (p.Arg437Ter)

Gene: POLR3A (RNA polymerase III subunit A; minus strand). Cytogenetic location: 10q22.3.
Variant type: single nucleotide variant.
Coding change: c.1309C>T on transcript NM_007055.4 (MANE Select); coding-DNA position 1309, C replaced by T.
Protein change: p.Arg437Ter; replaces arginine 437 with a stop codon.
Molecular consequence: nonsense.
Genome position (GRCh38, 1-based): chr10:78,017,697, G>A on the plus strand (C>T on the coding strand, the complement: POLR3A is on the minus strand). VCF-style: chr10-78017697-G-A. GRCh37 (hg19) VCF-style: chr10-79777455-G-A.
Other names: short protein forms R437*.
Identifiers: ClinVar variation 3603021 (VCV003603021.2).
Genomic context (GRCh38, chr10:78,017,697, plus strand): 5'-CATCGATGAGGTGTCTCTCTACGATGTCACCATACTTGAGCTCTTGAGCCATCTTTTCTC[G>A]ATTTCCGTATTTCAAAAACCTGAATGTGCAACAATAAACATGATCTGTGAAAGCAAAGTT-3'